The following is an entry in ClinVar:

NM_000548.5(TSC2):c.649G>A (p.Val217Ile)

Gene: TSC2 (TSC complex subunit 2; plus strand). Cytogenetic location: 16p13.3.
Variant type: single nucleotide variant.
Coding change: c.649G>A on transcript NM_000548.5 (MANE Select); coding-DNA position 649, G replaced by A.
Protein change: p.Val217Ile; replaces valine 217 with isoleucine.
Molecular consequence: missense variant.
Genome position (GRCh38, 1-based): chr16:2,056,644, G>A. VCF-style: chr16-2056644-G-A. GRCh37 (hg19) VCF-style: chr16-2106645-G-A.
Other names: c.649G>A, p.Val217Ile (NM_001077183.3, NM_001114382.3, NM_001363528.2 and 3 more transcripts); c.538G>A, p.Val180Ile (NM_001318827.2); c.502G>A, p.Val168Ile (NM_001318829.2); c.49G>A, p.Val17Ile (NM_001318831.2); c.682G>A, p.Val228Ile (NM_001318832.2); short protein forms V168I, V180I, V17I, V217I, V228I.
Identifiers: ClinVar variation 1517166 (VCV001517166.8), dbSNP rs1567407896, ClinGen allele CA394312284.
Genomic context (GRCh38, chr16:2,056,644, plus strand): 5'-TCCTCTCCTGTGGGGAGGAGCTGGGGTAGGACGGGCGTGAGCCGTCTCCCTCTCCACCAG[G>A]TCTCCCTGCAGGTGCTGGACGCCGTGGTCTGCTACAACTGCCTGCCGGCTGAGAGCCTCC-3'
Protein context (NP_000539.2, residues 207-227): VRTASSVDIE[Val217Ile]SLQVLDAVVC

ClinVar aggregate classification (germline): Uncertain significance. Review status: criteria provided, multiple submitters, no conflicts (2 of 4 stars). 2 submissions from 2 submitters: Uncertain significance (2). Last evaluated 2024-07-11.

Conditions:
Tuberous sclerosis 2 (TSC2). Identifiers: Orphanet 805, MedGen C1860707, MONDO:0013199, OMIM 613254.
Hereditary cancer-predisposing syndrome. Also called: Neoplastic Syndromes, Hereditary; Hereditary Cancer Syndrome; Tumor predisposition; Hereditary neoplastic syndrome. Identifiers: Orphanet 140162, MedGen C0027672, MeSH D009386, MONDO:0015356.

Submissions (2):

Labcorp Genetics (formerly Invitae), Labcorp
Classification: Uncertain significance for Tuberous sclerosis 2. Last evaluated: 2024-07-11. Review status: criteria provided, single submitter. Criteria: Invitae Variant Classification Sherloc (09022015). Collection method: clinical testing. Allele origin: germline.
Comment: This sequence change replaces valine, which is neutral and non-polar, with isoleucine, which is neutral and non-polar, at codon 217 of the TSC2 protein (p.Val217Ile). This variant is not present in population databases (gnomAD no frequency). This variant has not been reported in the literature in individuals affected with TSC2-related conditions. ClinVar contains an entry for this variant (Variation ID: 1517166). An algorithm developed to predict the effect of missense changes on protein structure and function (PolyPhen-2) suggests that this variant is likely to be tolerated. In summary, the available evidence is currently insufficient to determine the role of this variant in disease. Therefore, it has been classified as a Variant of Uncertain Significance.

Ambry Genetics
Classification: Uncertain significance for Hereditary cancer-predisposing syndrome. Last evaluated: 2022-04-26. Review status: criteria provided, single submitter. Criteria: Ambry Variant Classification Scheme 2023. Collection method: clinical testing. Allele origin: germline.
Comment: The p.V217I variant (also known as c.649G>A) is located in coding exon 7 of the TSC2 gene. The valine at codon 217 is replaced by isoleucine, an amino acid with highly similar properties. This change occurs in the first base pair of coding exon 7. This amino acid position is conserved. In addition, the in silico prediction for this alteration is inconclusive. Since supporting evidence is limited at this time, the clinical significance of this alteration remains unclear.